The following is an entry in ClinVar:

ClinVar aggregate classification (germline): Likely benign (1 of 4 stars; one submission).

gnomAD v4.1: 22 of 1,613,984 alleles (0.0014%); highest among the groups gnomAD compares: Non-Finnish European, 0.0019%; no homozygotes.

Submission:

CeGaT Center for Human Genetics Tuebingen
Classification: Likely benign. Last evaluated: 2023-03-01. Review status: criteria provided, single submitter. Criteria: CeGaT Center For Human Genetics Tuebingen Variant Classification Criteria Version 2. Collection method: clinical testing. Allele origin: germline. Affected: yes. Observed: 2 variant alleles.
Comment: SHANK2: BP4, BP7

NM_012309.5(SHANK2):c.3789G>T (p.Thr1263=)

Gene: SHANK2 (SH3 and multiple ankyrin repeat domains 2; minus strand). Cytogenetic location: 11q13.3.
Variant type: single nucleotide variant.
Coding change: c.3789G>T on transcript NM_012309.5 (MANE Select); coding-DNA position 3789, G replaced by T.
Protein change: p.Thr1263=; no amino-acid change (threonine 1263 retained).
Molecular consequence: synonymous variant.
Genome position (GRCh38, 1-based): chr11:70,486,504, C>A on the plus strand (G>T on the coding strand, the complement: SHANK2 is on the minus strand). VCF-style: chr11-70486504-C-A. GRCh37 (hg19) VCF-style: chr11-70332609-C-A.
Other names: c.2652G>T, p.Thr884= (NM_001379226.1); c.2025G>T, p.Thr675= (NM_133266.5).
Identifiers: ClinVar variation 2642078 (VCV002642078.24), dbSNP rs560475504, ClinGen allele CA475700490.